The following is an entry in ClinVar:

NM_000310.4(PPT1):c.184del (p.Ile62fs)

Gene: PPT1 (palmitoyl-protein thioesterase 1; minus strand). Cytogenetic location: 1p34.2.
Variant type: Deletion.
Coding change: c.184del on transcript NM_000310.4 (MANE Select); coding-DNA position 184, one base deleted (A; older notation c.184delA).
Protein change: p.Ile62fs; shifts the reading frame from isoleucine 62.
Molecular consequence: frameshift variant. On other transcripts: intron variant (1).
Genome position (GRCh38, 1-based): chr1:40,092,448, T deleted on the plus strand (A on the coding strand, the reverse complement: PPT1 is on the minus strand); the first of 4 consecutive T bases (chr1:40,092,448-40,092,451); deleting any one gives the same sequence. VCF-style (leftmost placement, unchanged base first): chr1-40092447-AT-A. GRCh37 (hg19) VCF-style: chr1-40558119-AT-A.
Other names: c.184del, p.Ile62fs (NM_001363695.2); c.125-2936del (NM_001142604.2); c.184delA (NM_000310.3); short protein forms I62fs.
Identifiers: ClinVar variation 371338 (VCV000371338.6), dbSNP rs1057517192, ClinGen allele CA16040732.

ClinVar aggregate classification (germline): Pathogenic. Review status: criteria provided, single submitter (1 of 4 stars). 2 submissions from 2 submitters: Pathogenic (1). 1 of the submissions does not count toward it. Last evaluated 2023-08-11.

Conditions:
Neuronal ceroid lipofuscinosis 1 (CLN1). Also called: PPT1-Related Neuronal Ceroid-Lipofuscinosis; CEROID LIPOFUSCINOSIS, NEURONAL, 1, VARIABLE AGE AT ONSET. Identifiers: Orphanet 228329, MedGen C1850451, MONDO:0009744, OMIM 256730.

Submissions (2):

Labcorp Genetics (formerly Invitae), Labcorp
Classification: Pathogenic for Neuronal ceroid lipofuscinosis 1. Last evaluated: 2023-08-11. Review status: criteria provided, single submitter. Criteria: Invitae Variant Classification Sherloc (09022015). Collection method: clinical testing. Allele origin: germline.
Comment: For these reasons, this variant has been classified as Pathogenic. This sequence change creates a premature translational stop signal (p.Ile62Tyrfs*9) in the PPT1 gene. It is expected to result in an absent or disrupted protein product. Loss-of-function variants in PPT1 are known to be pathogenic (PMID: 10679943, 21990111). This variant is not present in population databases (gnomAD no frequency). This variant has not been reported in the literature in individuals affected with PPT1-related conditions. ClinVar contains an entry for this variant (Variation ID: 371338).

Counsyl
Classification: Likely pathogenic for Neuronal ceroid lipofuscinosis 1. Last evaluated: 2016-08-30. Review status: no assertion criteria provided. Collection method: clinical testing. Allele origin: unknown. Not counted in ClinVar's aggregate classification.

Literature cited by the submitters: PubMed 10679943 (cited by Labcorp Genetics (formerly Invitae), Labcorp); PubMed 21990111 (cited by Labcorp Genetics (formerly Invitae), Labcorp).